The following is an entry in ClinVar:

ClinVar aggregate classification (germline): Likely pathogenic (0 of 4 stars; one submission).

Conditions:
Autosomal recessive cutis laxa type 2, classic type. Identifiers: Orphanet 357074, MedGen C5679922, MONDO:0009054.

Submission:

Balikesir University Health Practice and Research Hospital, Diagnosis Center of Genetic Diseases, Balikesir University, Faculty of Medicine, Deparment of Medical Genetics
Classification: Likely pathogenic for Autosomal recessive cutis laxa type 2, classic type. Last evaluated: 2025-12-29. Review status: no assertion criteria provided. Collection method: clinical testing. Allele origin: germline. Inheritance: Autosomal recessive inheritance. Affected: yes. Observed: 1 homozygote.
Comment: The ATP6V0A2 c.235del variant (p.(Leu79Phefs*13)) is a frameshift predicted to introduce a premature termination codon early in the transcript, consistent with a loss-of-function effect; loss-of-function is an established disease mechanism for ATP6V0A2-related autosomal recessive cutis laxa (PVS1). During variant interpretation, population frequency was assessed using reference datasets (1000G, ESP, ExAC and gnomAD), and the variant met rarity criteria supporting PM2. he proband shows a phenotype highly consistent with ATP6V0A2-related cutis laxa, including characteristic dysmorphism/connective tissue findings (PP4). Overall, based on ACMG/ClinGen criteria (PVS1, PM2, PP4), this variant is classified as Pathogenic.

NM_012463.4(ATP6V0A2):c.235del (p.Leu79fs)

Gene: ATP6V0A2 (ATPase H+ transporting V0 subunit a2; plus strand). Cytogenetic location: 12q24.31.
Variant type: Deletion.
Coding change: c.235del on transcript NM_012463.4 (MANE Select); coding-DNA position 235, one base deleted (C; older notation c.235delC).
Protein change: p.Leu79fs; shifts the reading frame from leucine 79.
Molecular consequence: frameshift variant.
Genome position (GRCh38, 1-based): chr12:123,722,389, C deleted; the last of 4 consecutive C bases (chr12:123,722,386-123,722,389); deleting any one gives the same sequence. VCF-style (leftmost placement, unchanged base first): chr12-123722385-TC-T. GRCh37 (hg19) VCF-style: chr12-124206932-TC-T.
Other names: short protein forms L79fs.
Identifiers: ClinVar variation 4540553 (VCV004540553.1).